The following is an entry in ClinVar:

ClinVar aggregate classification (germline): Uncertain significance. Review status: criteria provided, multiple submitters, no conflicts (2 of 4 stars). 2 submissions from 2 submitters: Uncertain significance (2). Last evaluated 2024-09-24.

Conditions:
Inborn genetic diseases. Identifiers: MedGen C0950123, MeSH D030342.

Allele frequency attached by ClinVar (database versions not stated): gnomAD exomes below 0.00001.
gnomAD v4.1: 5 of 1,604,924 alleles (0.00031%); highest among the groups gnomAD compares: African/African-American, 0.0053%; no homozygotes.

Submissions (2):

Ambry Genetics
Classification: Uncertain significance for Inborn genetic diseases. Last evaluated: 2024-09-24. Review status: criteria provided, single submitter. Criteria: Ambry Variant Classification Scheme 2023. Collection method: clinical testing. Allele origin: germline.

GeneDx
Classification: Uncertain significance. Last evaluated: 2019-08-07. Review status: criteria provided, single submitter. Criteria: GeneDx Variant Classification Process June 2021. Collection method: clinical testing. Allele origin: germline. Affected: yes.
Comment: Not observed in large population cohorts (Lek et al., 2016); In silico analysis, which includes protein predictors and evolutionary conservation, supports a deleterious effect; Has not been previously published as pathogenic or benign to our knowledge

NM_006348.5(COG5):c.2322C>A (p.Phe774Leu)

Gene: COG5 (component of oligomeric golgi complex 5; minus strand). Cytogenetic location: 7q22.3.
Variant type: single nucleotide variant.
Coding change: c.2322C>A on transcript NM_006348.5 (MANE Select); coding-DNA position 2322, C replaced by A.
Protein change: p.Phe774Leu; replaces phenylalanine 774 with leucine.
Molecular consequence: missense variant. On other transcripts: intron variant (1).
Genome position (GRCh38, 1-based): chr7:107,210,579, G>T on the plus strand (C>A on the coding strand, the complement: COG5 is on the minus strand). VCF-style: chr7-107210579-G-T. GRCh37 (hg19) VCF-style: chr7-106851024-G-T.
Other names: c.2322C>A, p.Phe774Leu (NM_001161520.2); c.2160C>A, p.Phe720Leu (NM_001379511.1); c.2148C>A, p.Phe716Leu (NM_001379512.1); c.2007C>A, p.Phe669Leu (NM_001379514.1); c.1752C>A, p.Phe584Leu (NM_001379515.1); c.1608C>A, p.Phe536Leu (NM_001379516.1); c.2259C>A, p.Phe753Leu (NM_181733.4); c.2169-6949C>A (NM_001379513.1); short protein forms F536L, F584L, F669L, F716L, F720L, F753L, F774L.
Identifiers: ClinVar variation 1209351 (VCV001209351.4), dbSNP rs966232647, ClinGen allele CA164183071.